The following is an entry in ClinVar:

ClinVar aggregate classification (germline): Conflicting classifications of pathogenicity. Review status: criteria provided, conflicting classifications (1 of 4 stars). 3 submissions from 3 submitters: Likely pathogenic (1); Uncertain significance (2). Last evaluated 2022-03-08.

Conditions:
Autosomal dominant nonsyndromic hearing loss 9. Identifiers: Orphanet 90635, MedGen C1832425, MONDO:0011058, OMIM 601369.

Allele frequency attached by ClinVar (database versions not stated): gnomAD exomes below 0.00001.
gnomAD v4.1: 2 of 1,614,122 alleles (0.00012%); highest among the groups gnomAD compares: African/African-American, 0.0013%; no homozygotes.

Submissions (3):

GeneDx
Classification: Uncertain significance. Last evaluated: 2022-03-08. Review status: criteria provided, single submitter. Criteria: GeneDx Variant Classification Process June 2021. Collection method: clinical testing. Allele origin: germline. Affected: yes.
Comment: Not observed at a significant frequency in large population cohorts (gnomAD); In silico analysis supports that this missense variant has a deleterious effect on protein structure/function

Blueprint Genetics
Classification: Uncertain significance. Last evaluated: 2019-10-14. Review status: criteria provided, single submitter. Criteria: ACMG Guidelines, 2015. Collection method: clinical testing. Allele origin: germline.

Precision Medicine Center, Zhengzhou University
Classification: Likely pathogenic for Autosomal dominant nonsyndromic hearing loss 9. Last evaluated: 2006-06-30. Review status: criteria provided, single submitter. Criteria: ClinGen HL ACMG Specifications v1. Collection method: clinical testing. Allele origin: maternal. Affected: yes.
Comment: PP1_strong+PM2+PP3:The COCH c.1271A>G variant is absent or extremely rare in population databases (PM2).Segregation in five affected relatives for dominant (PP1_Strong). Multiple computational prediction tools support a deleterious effect on COCH protein function (PP3). According to the ACMG/AMP guidelines, this variant is classified as Likely Pathogenic.

NM_004086.3(COCH):c.1271A>G (p.Tyr424Cys)

Genes: COCH (cochlin; plus strand), COCH-AS1 (COCH antisense RNA 1; minus strand). Cytogenetic location: 14q12.
Variant type: single nucleotide variant.
Coding change: c.1271A>G on transcript NM_004086.3 (MANE Select); coding-DNA position 1271, A replaced by G.
Protein change: p.Tyr424Cys; replaces tyrosine 424 with cysteine.
Molecular consequence: missense variant. On other transcripts: non-coding transcript variant (1).
Genome position (GRCh38, 1-based): chr14:30,886,106, A>G. VCF-style: chr14-30886106-A-G. GRCh37 (hg19) VCF-style: chr14-31355312-A-G.
Other names: c.1271A>G, p.Tyr424Cys (NM_001135058.2); c.1466A>G, p.Tyr489Cys (NM_001347720.2); short protein forms Y424C, Y489C.
Identifiers: ClinVar variation 1314470 (VCV001314470.5), dbSNP rs1333737829, ClinGen allele CA389348657.